The following is an entry in ClinVar:

ClinVar aggregate classification (germline): Pathogenic (1 of 4 stars; one submission).

Conditions:
Alagille syndrome due to a JAG1 point mutation. Also called: Alagille Syndrome 1; HEPATIC DUCTULAR HYPOPLASIA, SYNDROMATIC; JAG1-Related Alagille Syndrome. Identifiers: Orphanet 261619, Orphanet 52, MedGen C1956125, MONDO:0016862, OMIM 118450.

Submission:

Labcorp Genetics (formerly Invitae), Labcorp
Classification: Pathogenic for Alagille syndrome due to a JAG1 point mutation. Last evaluated: 2023-09-21. Review status: criteria provided, single submitter. Criteria: Invitae Variant Classification Sherloc (09022015). Collection method: clinical testing. Allele origin: germline.
Comment: For these reasons, this variant has been classified as Pathogenic. This variant is also known as c.2016C>T. This premature translational stop signal has been observed in individual(s) with Alagille syndrome (PMID: 12497640, 15712272). In at least one individual the variant was observed to be de novo. This variant is not present in population databases (gnomAD no frequency). This sequence change creates a premature translational stop signal (p.Gln535*) in the JAG1 gene. It is expected to result in an absent or disrupted protein product. Loss-of-function variants in JAG1 are known to be pathogenic (PMID: 11180599).

Literature cited by the submitters: PubMed 12497640; PubMed 15712272; PubMed 11180599.

NM_000214.3(JAG1):c.1603C>T (p.Gln535Ter)

Gene: JAG1 (jagged canonical Notch ligand 1; minus strand). Cytogenetic location: 20p12.2.
Variant type: single nucleotide variant.
Coding change: c.1603C>T on transcript NM_000214.3 (MANE Select); coding-DNA position 1603, C replaced by T.
Protein change: p.Gln535Ter; replaces glutamine 535 with a stop codon.
Molecular consequence: nonsense.
Genome position (GRCh38, 1-based): chr20:10,648,077, G>A on the plus strand (C>T on the coding strand, the complement: JAG1 is on the minus strand). VCF-style: chr20-10648077-G-A. GRCh37 (hg19) VCF-style: chr20-10628725-G-A.
Other names: short protein forms Q535*.
Identifiers: ClinVar variation 2736950 (VCV002736950.3), dbSNP rs2514516680, ClinGen allele CA408236966.